The following is an entry in ClinVar:

ClinVar aggregate classification (germline): Conflicting classifications of pathogenicity. Review status: criteria provided, conflicting classifications (1 of 4 stars). 4 submissions from 4 submitters: Uncertain significance (3); Benign (1). Last evaluated 2025-12-27.

Conditions:
Fanconi anemia complementation group O. Also called: RAD51C-Related Fanconi Anemia. Identifiers: Orphanet 84, MedGen C3150653, MONDO:0013248, OMIM 613390.
Familial ovarian cancer. Identifiers: MedGen C5679802, MONDO:0016248.
Hereditary cancer-predisposing syndrome. Also called: Hereditary neoplastic syndrome; Neoplastic Syndromes, Hereditary; Tumor predisposition; Hereditary Cancer Syndrome. Identifiers: Orphanet 140162, MedGen C0027672, MeSH D009386, MONDO:0015356.

Submissions (4):

Labcorp Genetics (formerly Invitae), Labcorp
Classification: Uncertain significance for Fanconi anemia complementation group O. Last evaluated: 2025-12-27. Review status: criteria provided, single submitter. Criteria: Invitae Variant Classification Sherloc (09022015). Collection method: clinical testing. Allele origin: germline.
Comment: This sequence change replaces isoleucine, which is neutral and non-polar, with valine, which is neutral and non-polar, at codon 101 of the RAD51C protein (p.Ile101Val). This variant is not present in population databases (gnomAD no frequency). This variant has not been reported in the literature in individuals affected with RAD51C-related conditions. ClinVar contains an entry for this variant (Variation ID: 480523). Invitae Evidence Modeling of protein sequence and biophysical properties (such as structural, functional, and spatial information, amino acid conservation, physicochemical variation, residue mobility, and thermodynamic stability) indicates that this missense variant is not expected to disrupt RAD51C protein function with a negative predictive value of 80%. In summary, the available evidence is currently insufficient to determine the role of this variant in disease. Therefore, it has been classified as a Variant of Uncertain Significance.

Ambry Genetics
Classification: Benign for Hereditary cancer-predisposing syndrome. Last evaluated: 2025-10-24. Review status: criteria provided, single submitter. Criteria: Ambry Variant Classification Scheme 2023. Collection method: clinical testing. Allele origin: germline.

Molecular Pathology, Peter Maccallum Cancer Centre
Classification: Uncertain significance for Familial ovarian cancer. Last evaluated: 2025-03-06. Review status: criteria provided, single submitter. Criteria: ACMG Guidelines, 2015. Collection method: clinical testing. Allele origin: germline. Inheritance: Autosomal dominant inheritance.

GeneDx
Classification: Uncertain significance. Last evaluated: 2021-05-18. Review status: criteria provided, single submitter. Criteria: GeneDx Variant Classification Process June 2021. Collection method: clinical testing. Allele origin: germline. Affected: yes.
Comment: Not observed in large population cohorts (Lek 2016); In silico analysis supports that this missense variant does not alter protein structure/function; Has not been previously published as pathogenic or benign to our knowledge

NM_058216.3(RAD51C):c.301A>G (p.Ile101Val)

Gene: RAD51C (RAD51 paralog C; plus strand). Cytogenetic location: 17q22.
Variant type: single nucleotide variant.
Coding change: c.301A>G on transcript NM_058216.3 (MANE Select); coding-DNA position 301, A replaced by G.
Protein change: p.Ile101Val; replaces isoleucine 101 with valine.
Molecular consequence: missense variant. On other transcripts: non-coding transcript variant (2).
Genome position (GRCh38, 1-based): chr17:58,695,086, A>G. VCF-style: chr17-58695086-A-G. GRCh37 (hg19) VCF-style: chr17-56772447-A-G.
Other names: c.301A>G, p.Ile101Val (NM_002876.4); c.301A>G (NM_058216.2); short protein forms I101V.
Identifiers: ClinVar variation 480523 (VCV000480523.15), dbSNP rs1555593699, ClinGen allele CA400340998.